The following is an entry in ClinVar:

ClinVar aggregate classification (germline): Uncertain significance (1 of 4 stars; one submission).

Submission:

Labcorp Genetics (formerly Invitae), Labcorp
Classification: Uncertain significance. Last evaluated: 2023-12-11. Review status: criteria provided, single submitter. Criteria: Invitae Variant Classification Sherloc (09022015). Collection method: clinical testing. Allele origin: germline.
Comment: This sequence change replaces glutamic acid, which is acidic and polar, with valine, which is neutral and non-polar, at codon 2031 of the HIVEP2 protein (p.Glu2031Val). This variant is not present in population databases (gnomAD no frequency). This variant has not been reported in the literature in individuals affected with HIVEP2-related conditions. An algorithm developed to predict the effect of missense changes on protein structure and function (PolyPhen-2) suggests that this variant is likely to be disruptive. In summary, the available evidence is currently insufficient to determine the role of this variant in disease. Therefore, it has been classified as a Variant of Uncertain Significance.

NM_006734.4(HIVEP2):c.6092A>T (p.Glu2031Val)

Gene: HIVEP2 (HIVEP zinc finger 2; minus strand). Cytogenetic location: 6q24.2.
Variant type: single nucleotide variant.
Coding change: c.6092A>T on transcript NM_006734.4 (MANE Select); coding-DNA position 6092, A replaced by T.
Protein change: p.Glu2031Val; replaces glutamic acid 2031 with valine.
Molecular consequence: missense variant.
Genome position (GRCh38, 1-based): chr6:142,760,196, T>A on the plus strand (A>T on the coding strand, the complement: HIVEP2 is on the minus strand). VCF-style: chr6-142760196-T-A. GRCh37 (hg19) VCF-style: chr6-143081333-T-A.
Other names: short protein forms E2031V.
Identifiers: ClinVar variation 2850895 (VCV002850895.3), dbSNP rs2482769428, ClinGen allele CA365887829.